The following is an entry in ClinVar:

ClinVar aggregate classification (germline): Pathogenic (1 of 4 stars; one submission).

Conditions:
Primary ciliary dyskinesia. Also called: Ciliary dyskinesia. Identifiers: Orphanet 244, MedGen C0008780, MONDO:0016575, HP:0012265.

Submission:

Labcorp Genetics (formerly Invitae), Labcorp
Classification: Pathogenic for Primary ciliary dyskinesia. Last evaluated: 2025-05-21. Review status: criteria provided, single submitter. Criteria: Invitae Variant Classification Sherloc (09022015). Collection method: clinical testing. Allele origin: germline.
Comment: This sequence change creates a premature translational stop signal (p.Cys397*) in the ZMYND10 gene. It is expected to result in an absent or disrupted protein product. Loss-of-function variants in ZMYND10 are known to be pathogenic (PMID: 23891469, 23891471). This variant is not present in population databases (gnomAD no frequency). This variant has not been reported in the literature in individuals affected with ZMYND10-related conditions. For these reasons, this variant has been classified as Pathogenic.

Literature cited by the submitters: PubMed 23891469; PubMed 23891471.

NM_015896.4(ZMYND10):c.1191C>A (p.Cys397Ter)

Gene: ZMYND10 (zinc finger MYND-type containing 10; minus strand). Cytogenetic location: 3p21.31.
Variant type: single nucleotide variant.
Coding change: c.1191C>A on transcript NM_015896.4 (MANE Select); coding-DNA position 1191, C replaced by A.
Protein change: p.Cys397Ter; replaces cysteine 397 with a stop codon.
Molecular consequence: nonsense.
Genome position (GRCh38, 1-based): chr3:50,341,630, G>T on the plus strand (C>A on the coding strand, the complement: ZMYND10 is on the minus strand). VCF-style: chr3-50341630-G-T. GRCh37 (hg19) VCF-style: chr3-50379061-G-T.
Other names: c.1176C>A, p.Cys392Ter (NM_001308379.2); short protein forms C397*, C392*.
Identifiers: ClinVar variation 4711105 (VCV004711105.1).